The following is an entry in ClinVar:

NM_001017989.3(OPA3):c.161T>G (p.Met54Arg)

Genes: OPA3 (outer mitochondrial membrane lipid metabolism regulator OPA3; minus strand), OPA3-RTN2 (OPA3-RTN2 readthrough; minus strand). Cytogenetic location: 19q13.32.
Variant type: single nucleotide variant.
Coding change: c.161T>G on transcript NM_001017989.3; coding-DNA position 161, T replaced by G.
Protein change: p.Met54Arg; replaces methionine 54 with arginine.
Molecular consequence: missense variant.
Genome position (GRCh38, 1-based): chr19:45,529,438, A>C on the plus strand (T>G on the coding strand, the complement: OPA3 is on the minus strand). VCF-style: chr19-45529438-A-C. GRCh37 (hg19) VCF-style: chr19-46032696-A-C.
Other names: short protein forms M54R.
Identifiers: ClinVar variation 5002086 (VCV005002086.1).

ClinVar aggregate classification (germline): Uncertain significance (1 of 4 stars; one submission).

Conditions:
OPA3-related disorder. Also called: OPA3-related condition.

Submission:

PreventionGenetics, part of Exact Sciences
Classification: Uncertain significance for OPA3-related condition. Last evaluated: 2025-03-03. Review status: criteria provided, single submitter. Criteria: ACMG Guidelines, 2015. Collection method: clinical testing. Allele origin: germline.
Comment: The OPA3 c.161T>G variant is predicted to result in the amino acid substitution p.Met54Arg. To our knowledge, this variant has not been reported in the literature or in a large population database (gnomAD), indicating this variant is rare. At this time, the clinical significance of this variant is uncertain due to the absence of conclusive functional and genetic evidence.